The following is an entry in ClinVar:

NM_001134831.2(AHI1):c.750-1G>A

Gene: AHI1 (Abelson helper integration site 1; minus strand). Cytogenetic location: 6q23.3.
Variant type: single nucleotide variant.
Coding change: c.750-1G>A on transcript NM_001134831.2 (MANE Select); the canonical splice acceptor site of the intron before coding-DNA position 750, G replaced by A.
Molecular consequence: splice acceptor variant.
Genome position (GRCh38, 1-based): chr6:135,463,307, C>T on the plus strand (G>A on the coding strand, the complement: AHI1 is on the minus strand). VCF-style: chr6-135463307-C-T. GRCh37 (hg19) VCF-style: chr6-135784445-C-T.
Other names: c.750-1G>A (NM_017651.4, NM_001134830.2, NM_001350503.2 and 3 more transcripts).
Identifiers: ClinVar variation 2869634 (VCV002869634.4), dbSNP rs2484976975, ClinGen allele CA365749644.

ClinVar aggregate classification (germline): Likely pathogenic. Review status: criteria provided, multiple submitters, no conflicts (2 of 4 stars). 2 submissions from 2 submitters: Likely pathogenic (2). Last evaluated 2024-04-26.

Conditions:
Joubert syndrome. Also called: CEREBELLOPARENCHYMAL DISORDER IV; JOUBERT-BOLTSHAUSER SYNDROME; Familial aplasia of the vermis. Identifiers: Orphanet 475, MedGen C5979921, MONDO:0018772.
Joubert syndrome 3 (JBTS3). Also called: AHI1-related Ciliopathy. Identifiers: Orphanet 220493, MedGen C1837713, MONDO:0012078, OMIM 608629.

Submissions (2):

Fulgent Genetics
Classification: Likely pathogenic for Joubert syndrome 3. Last evaluated: 2024-04-26. Review status: criteria provided, single submitter. Criteria: ACMG Guidelines, 2015. Collection method: clinical testing. Allele origin: germline.

Labcorp Genetics (formerly Invitae), Labcorp
Classification: Likely pathogenic for Joubert syndrome. Last evaluated: 2023-11-05. Review status: criteria provided, single submitter. Criteria: Invitae Variant Classification Sherloc (09022015). Collection method: clinical testing. Allele origin: germline.
Comment: This sequence change affects an acceptor splice site in intron 6 of the AHI1 gene. It is expected to disrupt RNA splicing. Variants that disrupt the donor or acceptor splice site typically lead to a loss of protein function (PMID: 16199547), and loss-of-function variants in AHI1 are known to be pathogenic (PMID: 15322546, 16453322, 28442542, 29186038). This variant is not present in population databases (gnomAD no frequency). This variant has not been reported in the literature in individuals affected with AHI1-related conditions. Algorithms developed to predict the effect of sequence changes on RNA splicing suggest that this variant may disrupt the consensus splice site. In summary, the currently available evidence indicates that the variant is pathogenic, but additional data are needed to prove that conclusively. Therefore, this variant has been classified as Likely Pathogenic.

Literature cited by the submitters: PubMed 16199547 (cited by Labcorp Genetics (formerly Invitae), Labcorp); PubMed 15322546 (cited by Labcorp Genetics (formerly Invitae), Labcorp); PubMed 16453322 (cited by Labcorp Genetics (formerly Invitae), Labcorp); PubMed 28442542 (cited by Labcorp Genetics (formerly Invitae), Labcorp); PubMed 29186038 (cited by Labcorp Genetics (formerly Invitae), Labcorp).